The following is an entry in ClinVar:

ClinVar aggregate classification (germline): Uncertain significance. Review status: criteria provided, multiple submitters, no conflicts (2 of 4 stars). 2 submissions from 2 submitters: Uncertain significance (2). Last evaluated 2024-09-23.

Conditions:
Hypertrophic cardiomyopathy. Also called: HYPERTROPHIC MYOCARDIOPATHY. Identifiers: Orphanet 217569, MedGen C0007194, MeSH D002312, MONDO:0005045, HP:0001639.

Allele frequency attached by ClinVar (database versions not stated): gnomAD exomes below 0.00001.

Submissions (2):

All of Us Research Program, National Institutes of Health
Classification: Uncertain significance for Hypertrophic cardiomyopathy. Last evaluated: 2024-09-23. Review status: criteria provided, single submitter. Criteria: ACMG Guidelines, 2015. Collection method: clinical testing. Allele origin: germline. Inheritance: Autosomal dominant inheritance. Observed: 1 variant allele, 1 heterozygote.
Comment: This study involves interpretation of variants in research participants for the purpose of population health screening. Participant phenotype was not available at the time of variant classification. Additional details can be found in publication PMID: 35346344, PMCID: PMC8962531

Labcorp Genetics (formerly Invitae), Labcorp
Classification: Uncertain significance for Hypertrophic cardiomyopathy. Last evaluated: 2023-04-26. Review status: criteria provided, single submitter. Criteria: Invitae Variant Classification Sherloc (09022015). Collection method: clinical testing. Allele origin: germline.
Comment: In summary, the available evidence is currently insufficient to determine the role of this variant in disease. Therefore, it has been classified as a Variant of Uncertain Significance. An algorithm developed to predict the effect of missense changes on protein structure and function (PolyPhen-2) suggests that this variant is likely to be disruptive. This variant has not been reported in the literature in individuals affected with MYBPC3-related conditions. This variant is not present in population databases (gnomAD no frequency). This sequence change replaces glutamine, which is neutral and polar, with glutamic acid, which is acidic and polar, at codon 981 of the MYBPC3 protein (p.Gln981Glu).

NM_000256.3(MYBPC3):c.2941C>G (p.Gln981Glu)

Gene: MYBPC3 (myosin binding protein C3; minus strand). Cytogenetic location: 11p11.2.
Variant type: single nucleotide variant.
Coding change: c.2941C>G on transcript NM_000256.3 (MANE Select); coding-DNA position 2941, C replaced by G.
Protein change: p.Gln981Glu; replaces glutamine 981 with glutamic acid.
Molecular consequence: missense variant.
Genome position (GRCh38, 1-based): chr11:47,333,975, G>C on the plus strand (C>G on the coding strand, the complement: MYBPC3 is on the minus strand). VCF-style: chr11-47333975-G-C. GRCh37 (hg19) VCF-style: chr11-47355526-G-C.
Other names: short protein forms Q981E.
Identifiers: ClinVar variation 2790809 (VCV002790809.4), dbSNP rs1282789659, ClinGen allele CA380315945.